The following is an entry in ClinVar:

NM_006059.4(LAMC3):c.1391C>T (p.Pro464Leu)

Gene: LAMC3 (laminin subunit gamma 3; plus strand). Cytogenetic location: 9q34.12.
Variant type: single nucleotide variant.
Coding change: c.1391C>T on transcript NM_006059.4 (MANE Select); coding-DNA position 1391, C replaced by T.
Protein change: p.Pro464Leu; replaces proline 464 with leucine.
Molecular consequence: missense variant.
Genome position (GRCh38, 1-based): chr9:131,045,532, C>T. VCF-style: chr9-131045532-C-T. GRCh37 (hg19) VCF-style: chr9-133920919-C-T.
Other names: short protein forms P464L.
Identifiers: ClinVar variation 1466637 (VCV001466637.5), dbSNP rs140806340, ClinGen allele CA5287078.
Genomic context (GRCh38, chr9:131,045,532, plus strand): 5'-CTTCCTGGCTGATTCACGTGGCCCTCGTGGGCATGTCCTGCCTCCATTTCAGATGTCGCC[C>T]GGGGACCTTTAACCTGCAGCCCCACAATCCAGCTGGCTGCAGCAGCTGTTTCTGCTATGG-3'
Protein context (NP_006050.3, residues 454-474): VEGNLCDRCR[Pro464Leu]GTFNLQPHNP

ClinVar aggregate classification (germline): Uncertain significance (1 of 4 stars; one submission).

Allele frequency attached by ClinVar (database versions not stated): gnomAD 0.00004 and 0.00005; TOPMed 0.00004; gnomAD exomes 0.00005; ESP Exome Variant Server 0.00015; 1000 Genomes Project 0.00020; 1000 Genomes Project 30x 0.00031.
gnomAD v4.1: 219 of 1,613,746 alleles (0.014%); highest among the groups gnomAD compares: Non-Finnish European, 0.018%; no homozygotes.

Submission:

Labcorp Genetics (formerly Invitae), Labcorp
Classification: Uncertain significance. Last evaluated: 2022-05-25. Review status: criteria provided, single submitter. Criteria: Invitae Variant Classification Sherloc (09022015). Collection method: clinical testing. Allele origin: germline.
Comment: This sequence change replaces proline, which is neutral and non-polar, with leucine, which is neutral and non-polar, at codon 464 of the LAMC3 protein (p.Pro464Leu). This variant is present in population databases (rs140806340, gnomAD 0.01%). This variant has not been reported in the literature in individuals affected with LAMC3-related conditions. Algorithms developed to predict the effect of missense changes on protein structure and function are either unavailable or do not agree on the potential impact of this missense change (SIFT: "Deleterious"; PolyPhen-2: "Probably Damaging"; Align-GVGD: "Class C0"). In summary, the available evidence is currently insufficient to determine the role of this variant in disease. Therefore, it has been classified as a Variant of Uncertain Significance.